The following is an entry in ClinVar:

NM_001348716.2(KDM6B):c.3002G>T (p.Gly1001Val)

Gene: KDM6B (lysine demethylase 6B; plus strand). Cytogenetic location: 17p13.1.
Variant type: single nucleotide variant.
Coding change: c.3002G>T on transcript NM_001348716.2 (MANE Select); coding-DNA position 3002, G replaced by T.
Protein change: p.Gly1001Val; replaces glycine 1001 with valine.
Molecular consequence: missense variant.
Genome position (GRCh38, 1-based): chr17:7,849,290, G>T. VCF-style: chr17-7849290-G-T. GRCh37 (hg19) VCF-style: chr17-7752608-G-T.
Other names: c.3002G>T, p.Gly1001Val (NM_001080424.2); short protein forms G1001V.
Identifiers: ClinVar variation 2818953 (VCV002818953.3), dbSNP rs2078640740, ClinGen allele CA397921821.

ClinVar aggregate classification (germline): Uncertain significance (1 of 4 stars; one submission).

Allele frequency attached by ClinVar (database versions not stated): gnomAD exomes below 0.00001; TOPMed below 0.00001.
gnomAD v4.1: 5 of 1,556,274 alleles (0.00032%); highest among the groups gnomAD compares: Non-Finnish European, 0.00043%; no homozygotes.

Submission:

Labcorp Genetics (formerly Invitae), Labcorp
Classification: Uncertain significance. Last evaluated: 2022-12-08. Review status: criteria provided, single submitter. Criteria: Invitae Variant Classification Sherloc (09022015). Collection method: clinical testing. Allele origin: germline.
Comment: In summary, the available evidence is currently insufficient to determine the role of this variant in disease. Therefore, it has been classified as a Variant of Uncertain Significance. Experimental studies and prediction algorithms are not available or were not evaluated, and the functional significance of this variant is currently unknown. This variant has not been reported in the literature in individuals affected with KDM6B-related conditions. This variant is not present in population databases (gnomAD no frequency). This sequence change replaces glycine, which is neutral and non-polar, with valine, which is neutral and non-polar, at codon 1001 of the KDM6B protein (p.Gly1001Val).